The following is an entry in ClinVar:

NM_001372044.2(SHANK3):c.4309dup (p.Thr1437fs)

Gene: SHANK3 (SH3 and multiple ankyrin repeat domains 3; plus strand). Cytogenetic location: 22q13.33.
Variant type: Duplication.
Coding change: c.4309dup on transcript NM_001372044.2 (MANE Select); coding-DNA position 4309, one base duplicated (A; older notation c.4309dupA).
Protein change: p.Thr1437fs; shifts the reading frame from threonine 1437.
Molecular consequence: frameshift variant.
Genome position (GRCh38, 1-based): chr22:50,721,917, A duplicated. VCF-style (leftmost placement, unchanged base first): chr22-50721916-C-CA. GRCh37 (hg19) VCF-style: chr22-51160344-C-CA.
Other names: c.4084dupA (NM_033517.1); short protein forms T1437fs.
Identifiers: ClinVar variation 3795530 (VCV003795530.1).

ClinVar aggregate classification (germline): Pathogenic (1 of 4 stars; one submission).

Conditions:
Inborn genetic diseases. Identifiers: MedGen C0950123, MeSH D030342.

Submission:

Ambry Genetics
Classification: Pathogenic for Inborn genetic diseases. Last evaluated: 2025-03-12. Review status: criteria provided, single submitter. Criteria: Ambry Variant Classification Scheme 2023. Collection method: clinical testing. Allele origin: germline.
Comment: The c.4084dupA (p.T1362Nfs*33) alteration, located in exon 21 (coding exon 21) of the SHANK3 gene, consists of a duplication of A at position 4084, causing a translational frameshift with a predicted alternate stop codon after 33 amino acids. This alteration is expected to result in loss of function by premature protein truncation or nonsense-mediated mRNA decay. This variant was not reported in population-based cohorts in the Genome Aggregation Database (gnomAD). Based on the available evidence, this alteration is classified as pathogenic.